The following is an entry in ClinVar:

NM_016373.4(WWOX):c.164T>C (p.Val55Ala)

Gene: WWOX (WW domain containing oxidoreductase; plus strand). Cytogenetic location: 16q23.1.
Variant type: single nucleotide variant.
Coding change: c.164T>C on transcript NM_016373.4 (MANE Select); coding-DNA position 164, T replaced by C.
Protein change: p.Val55Ala; replaces valine 55 with alanine.
Molecular consequence: missense variant. On other transcripts: non-coding transcript variant (1), intron variant (1).
Genome position (GRCh38, 1-based): chr16:78,108,479, T>C. VCF-style: chr16-78108479-T-C. GRCh37 (hg19) VCF-style: chr16-78142376-T-C.
Other names: c.164T>C (NM_016373.2, NM_016373.3); c.164T>C, p.Val55Ala (NM_130791.5); c.-167-1299T>C (NM_001291997.2); short protein forms V55A.
Identifiers: ClinVar variation 1420329 (VCV001420329.5), dbSNP rs775944673, ClinGen allele CA8183033.

ClinVar aggregate classification (germline): Uncertain significance. Review status: criteria provided, multiple submitters, no conflicts (2 of 4 stars). 3 submissions from 3 submitters: Uncertain significance (3). Last evaluated 2026-09-10.

Conditions:
Inborn genetic diseases. Identifiers: MedGen C0950123, MeSH D030342.
WWOX-related disorder. Also called: WWOX-related condition.
Developmental and epileptic encephalopathy, 1 (DEE1). Also called: X-linked infantile spasms; West's syndrome; Tonic spasms with clustering, arrest of psychomotor development and hypsarrhythmia on EEG; X-Linked Infantile Spasm Syndrome; OHTAHARA SYNDROME, X-LINKED; INFANTILE SPASM SYNDROME, X-LINKED 1. Identifiers: MedGen C3463992, MONDO:0010632, OMIM 308350. Disease mechanism: loss of function.
Autosomal recessive spinocerebellar ataxia 12. Also called: SPINOCEREBELLAR ATAXIA WITH MENTAL RETARDATION AND EPILEPSY. Identifiers: Orphanet 284282, MedGen C3280452, MONDO:0013687, OMIM 614322.

Allele frequency attached by ClinVar (database versions not stated): ExAC 0.00001; gnomAD exomes 0.00001 and 0.00003; gnomAD 0.00003 and 0.00004; TOPMed 0.00003.
gnomAD v4.1: 16 of 1,612,606 alleles (0.00099%); highest among the groups gnomAD compares: Admixed American, 0.017%; no homozygotes.

Submissions (3):

PreventionGenetics, part of Exact Sciences
Classification: Uncertain significance for WWOX-related condition. Last evaluated: 2026-09-10. Review status: criteria provided, single submitter. Criteria: ACMG Guidelines, 2015. Collection method: clinical testing. Allele origin: germline.
Comment: The WWOX c.164T>C variant is predicted to result in the amino acid substitution p.Val55Ala. To our knowledge, this variant has not been reported in the literature. This variant is reported in 0.014% of alleles in individuals of Latino descent in gnomAD. At this time, the clinical significance of this variant is uncertain due to the absence of conclusive functional and genetic evidence.

Ambry Genetics
Classification: Uncertain significance for Inborn genetic diseases. Last evaluated: 2025-12-16. Review status: criteria provided, single submitter. Criteria: Ambry Variant Classification Scheme 2023. Collection method: clinical testing. Allele origin: germline.

Labcorp Genetics (formerly Invitae), Labcorp
Classification: Uncertain significance for Developmental and epileptic encephalopathy, 1; Autosomal recessive spinocerebellar ataxia 12. Last evaluated: 2022-08-16. Review status: criteria provided, single submitter. Criteria: Invitae Variant Classification Sherloc (09022015). Collection method: clinical testing. Allele origin: germline.
Comment: This sequence change replaces valine, which is neutral and non-polar, with alanine, which is neutral and non-polar, at codon 55 of the WWOX protein (p.Val55Ala). This variant is present in population databases (rs775944673, gnomAD 0.01%). This variant has not been reported in the literature in individuals affected with WWOX-related conditions. ClinVar contains an entry for this variant (Variation ID: 1420329). Algorithms developed to predict the effect of missense changes on protein structure and function are either unavailable or do not agree on the potential impact of this missense change (SIFT: "Not Available"; PolyPhen-2: "Benign"; Align-GVGD: "Not Available"). In summary, the available evidence is currently insufficient to determine the role of this variant in disease. Therefore, it has been classified as a Variant of Uncertain Significance.